The following is an entry in ClinVar:

NM_000075.4(CDK4):c.684C>A (p.Asp228Glu)

Genes: TSPAN31 (tetraspanin 31; plus strand), CDK4 (cyclin dependent kinase 4; minus strand). Cytogenetic location: 12q14.1.
Variant type: single nucleotide variant.
Coding change: c.684C>A on transcript NM_000075.4 (MANE Select); coding-DNA position 684, C replaced by A.
Protein change: p.Asp228Glu; replaces aspartic acid 228 with glutamic acid.
Molecular consequence: missense variant. On other transcripts: 3 prime UTR variant (3).
Genome position (GRCh38, 1-based): chr12:57,749,317, G>T on the plus strand (C>A on the coding strand, the complement: CDK4 is on the minus strand). VCF-style: chr12-57749317-G-T. GRCh37 (hg19) VCF-style: chr12-58143100-G-T.
Other names: c.*2027G>T (NM_001330168.2, NM_001330169.2, NM_005981.5); short protein forms D228E.
Identifiers: ClinVar variation 532273 (VCV000532273.8), dbSNP rs1555201112, ClinGen allele CA385543779.

ClinVar aggregate classification (germline): Uncertain significance (1 of 4 stars; one submission).

Conditions:
Familial melanoma. Also called: Hereditary melanoma; Hereditary cutaneous melanoma. Identifiers: Orphanet 618, MedGen C1512419, MONDO:0018961.

Submission:

Labcorp Genetics (formerly Invitae), Labcorp
Classification: Uncertain significance for Familial melanoma. Last evaluated: 2017-12-04. Review status: criteria provided, single submitter. Criteria: Invitae Variant Classification Sherloc (09022015). Collection method: clinical testing. Allele origin: germline.
Comment: Algorithms developed to predict the effect of missense changes on protein structure and function (SIFT, PolyPhen-2, Align-GVGD) all suggest that this variant is likely to be tolerated, but these predictions have not been confirmed by published functional studies and their clinical significance is uncertain. In summary, the available evidence is currently insufficient to determine the role of this variant in disease. Therefore, it has been classified as a Variant of Uncertain Significance. This variant has not been reported in the literature in individuals with CDK4-related disease. This variant is not present in population databases (ExAC no frequency). This sequence change replaces aspartic acid with glutamic acid at codon 228 of the CDK4 protein (p.Asp228Glu). The aspartic acid residue is moderately conserved and there is a small physicochemical difference between aspartic acid and glutamic acid.